The following is an entry in ClinVar:

NM_016213.5(TRIP4):c.1214G>A (p.Arg405His)

Gene: TRIP4 (thyroid hormone receptor interactor 4; plus strand). Cytogenetic location: 15q22.31.
Variant type: single nucleotide variant.
Coding change: c.1214G>A on transcript NM_016213.5 (MANE Select); coding-DNA position 1214, G replaced by A.
Protein change: p.Arg405His; replaces arginine 405 with histidine.
Molecular consequence: missense variant. On other transcripts: non-coding transcript variant (1).
Genome position (GRCh38, 1-based): chr15:64,418,584, G>A. VCF-style: chr15-64418584-G-A. GRCh37 (hg19) VCF-style: chr15-64710783-G-A.
Other names: c.524G>A, p.Arg175His (NM_001321924.2); short protein forms R175H, R405H.
Identifiers: ClinVar variation 4527211 (VCV004527211.1).

ClinVar aggregate classification (germline): Uncertain significance (1 of 4 stars; one submission).

Submission:

GeneDx
Classification: Uncertain significance. Last evaluated: 2025-04-21. Review status: criteria provided, single submitter. Criteria: GeneDx Variant Classification Process June 2021. Collection method: clinical testing. Allele origin: germline. Affected: yes.
Comment: Not observed at significant frequency in large population cohorts (gnomAD); In silico analysis indicates that this missense variant does not alter protein structure/function; Has not been previously published as pathogenic or benign to our knowledge